The following is an entry in ClinVar:

ClinVar aggregate classification (germline): Uncertain significance (1 of 4 stars; one submission).

Submission:

Labcorp Genetics (formerly Invitae), Labcorp
Classification: Uncertain significance. Last evaluated: 2022-08-13. Review status: criteria provided, single submitter. Criteria: Invitae Variant Classification Sherloc (09022015). Collection method: clinical testing. Allele origin: germline.
Comment: This variant results in a copy number gain of the genomic region encompassing exon(s) 16-18 of the EYS gene. While the exact position of this variant cannot be determined from the data, sub-genic copy number gains are generally in tandem (PMID: 25640679). This variant is predicted to be in-frame, and likely preserves the integrity of the reading frame. This variant has not been reported in the literature in individuals affected with EYS-related conditions. Experimental studies and prediction algorithms are not available or were not evaluated, and the functional significance of this variant is currently unknown. In summary, the available evidence is currently insufficient to determine the role of this variant in disease. Therefore, it has been classified as a Variant of Uncertain Significance.

Literature cited by the submitters: PubMed 25640679.

NC_000006.11:g.(?_65611986)_(65622656_?)dup

Gene: EYS (eyes shut homolog; minus strand). Cytogenetic location: 6q12.
Variant type: Duplication.
Identifiers: ClinVar variation 1007134 (VCV001007134.2).